The following is an entry in ClinVar:

NM_001377.3(DYNC2H1):c.11263A>G (p.Met3755Val)

Gene: DYNC2H1 (dynein cytoplasmic 2 heavy chain 1; plus strand). Cytogenetic location: 11q22.3.
Variant type: single nucleotide variant.
Coding change: c.11263A>G on transcript NM_001377.3 (MANE Select); coding-DNA position 11263, A replaced by G.
Protein change: p.Met3755Val; replaces methionine 3755 with valine.
Molecular consequence: missense variant.
Genome position (GRCh38, 1-based): chr11:103,304,601, A>G. VCF-style: chr11-103304601-A-G. GRCh37 (hg19) VCF-style: chr11-103175330-A-G.
Other names: c.11284A>G, p.Met3762Val (NM_001080463.2); c.11263A>G (NM_001377.2); short protein forms M3762V, M3755V.
Identifiers: ClinVar variation 6501 (VCV000006501.37), dbSNP rs137853026, ClinGen allele CA210496.

ClinVar aggregate classification (germline): Conflicting classifications of pathogenicity. Review status: criteria provided, conflicting classifications (1 of 4 stars). 17 submissions from 17 submitters: Likely pathogenic (1); Uncertain significance (8); Likely benign (2). 6 of the submissions do not count toward it. Last evaluated 2026-01-28.

Conditions:
Jeune thoracic dystrophy. Also called: Short-rib thoracic dysplasia; Jeune syndrome; Infantile thoracic dystrophy; Thoracic pelvic phalangeal dystrophy; Jeune's syndrome; Chondroectodermal dysplasia-like syndrome. Identifiers: Orphanet 474, MedGen C0265275, MONDO:0018770.
Asphyxiating thoracic dystrophy 3. Also called: SHORT-RIB THORACIC DYSPLASIA 3 WITH OR WITHOUT POLYDACTYLY; POLYDACTYLY WITH NEONATAL CHONDRODYSTROPHY, TYPE I; SHORT-RIB THORACIC DYSPLASIA 3/6 WITH POLYDACTYLY, DIGENIC; Short rib polydactyly syndrome 2B; Saldino-Noonan Syndrome. Identifiers: Orphanet 474, Orphanet 93269, Orphanet 93270, Orphanet 93271, MedGen C0036069, MONDO:0013127, OMIM 613091.
Retinal disorder. Also called: Retinopathies; Retinal Diseases; Retinal disorders; Retinopathy. Identifiers: MedGen C0035309, MONDO:0005283, HP:0000488.

Allele frequency attached by ClinVar (database versions not stated): ExAC 0.00040; TOPMed 0.00117; 1000 Genomes Project 0.00140; gnomAD 0.00105 and 0.00103; 1000 Genomes Project 30x 0.00125; gnomAD exomes 0.00015 and 0.00034.
gnomAD v4.1: 376 of 1,609,680 alleles (0.023%); highest among the groups gnomAD compares: African/African-American, 0.33%; no homozygotes.

Submissions 1 to 9 of 17:

Labcorp Genetics (formerly Invitae), Labcorp
Classification: Likely benign for Jeune thoracic dystrophy. Last evaluated: 2026-01-28. Review status: criteria provided, single submitter. Criteria: Invitae Variant Classification Sherloc (09022015). Collection method: clinical testing. Allele origin: germline.

Genetics Laboratory, Great Ormond Street Hospital NHS Foundation Trust, North Thames Genomic Laboratory Hub
Classification: Likely pathogenic for Retinal disorders. Last evaluated: 2026-01-17. Review status: criteria provided, single submitter. Criteria: ACGS Best Practice Guidelines for Variant Classification in Rare Disease 2024 v1.2. Collection method: clinical testing. Allele origin: germline. Affected: yes.
Comment: PS4_moderate, PP3_supporting, PM3_strong, PP4_supporting

Dasa
Classification: Uncertain significance for Asphyxiating thoracic dystrophy 3. Last evaluated: 2025-11-17. Review status: criteria provided, single submitter. Criteria: DASA Assertion Criteria. Collection method: clinical testing. Allele origin: germline.
Comment: NM_001377.3(DYNC2H1):c.11263A>G (p.Met3755Val) is a missense variant that results in the substitution of methionine with valine. This classification is supported by population frequency inconsistent with a disease-causing role. The currently available literature and clinical evidence are not sufficient to establish a definitive association between this variant and the reported condition. Therefore, this variant is classified as a variant of uncertain significance.

Women's Health and Genetics/Laboratory Corporation of America, LabCorp
Classification: Uncertain significance. Last evaluated: 2025-07-14. Review status: criteria provided, single submitter. Criteria: LabCorp Variant Classification Summary - May 2015. Collection method: clinical testing. Allele origin: germline.
Comment: Variant summary: DYNC2H1 c.11284A>G (p.Met3762Val) results in a conservative amino acid change in the encoded protein sequence. Algorithms developed to predict the effect of missense changes on protein structure and function are either unavailable or do not agree on the potential impact of this missense change. The variant allele was found at a frequency of 0.00034 in 246608 control chromosomes, predominantly at a frequency of 0.0036 within the African or African-American subpopulation in the gnomAD database. The observed variant frequency within African or African-American control individuals in the gnomAD database is approximately 1.44 fold of the estimated maximal expected allele frequency for a pathogenic variant in DYNC2H1 causing Short-rib thoracic dysplasia phenotype (0.0025). c.11284A>G has been observed in individual(s) affected with Short-rib thoracic dysplasia (Hammarsjo_2021, Dagoneau_2009, Zhang_2019). These data indicate that the variant is likely to be associated with disease. To our knowledge, no experimental evidence demonstrating an impact on protein function has been reported. The following publications have been ascertained in the context of this evaluation (PMID: 29068549, 23339108, 33875766, 19442771, 31943948). ClinVar contains an entry for this variant (Variation ID: 6501). Based on the evidence outlined above, the variant was classified as uncertain significance.

Victorian Clinical Genetics Services, Murdoch Childrens Research Institute
Classification: Uncertain significance for Asphyxiating thoracic dystrophy 3. Last evaluated: 2024-09-20. Review status: criteria provided, single submitter. Criteria: ACMG Guidelines, 2015. Collection method: clinical testing. Allele origin: germline. Inheritance: Autosomal recessive inheritance. Affected: no.
Comment: Based on the classification scheme VCGS_Germline_v1.3.4, this variant is classified as VUS-3B. Following criteria are met: 0102 - Loss of function is a known mechanism of disease in this gene and is associated with short-rib thoracic dysplasia 3 with or without polydactyly (MIM#613091). (I) 0106 - This gene is associated with autosomal recessive disease. (I) 0200 - Variant is predicted to result in a missense amino acid change from methionine to valine. (I) 0251 - This variant is heterozygous. (I) 0304 - Variant is present in gnomAD (v3) <0.01 for a recessive condition (153 heterozygotes, 0 homozygotes). (SP) 0502 - Missense variant with conflicting in silico predictions and uninformative conservation. (I) 0600 - Variant is located in the annotated AAA6 region (UniProt). (I) 0705 - No comparable missense variants have previous evidence for pathogenicity. (I) 0808 - Previous reports of pathogenicity for this variant are conflicting. This variant has been reported by seven clinical laboratories as a VUS, and one as likely benign (ClinVar). It has also been reported as compound heterozygous in an individual with asphyxiating thoracic dystrophy (ATD), a fetus with skeletal dysplasia, and a fetus with ultrasound findings of short femur and humerus lengths (PMID: 29068549, Johnson, K. and Eason, J. (2018), ClinVar - personal communication). In addition, this variant has been reported as homozygous in two individuals with ATD, including one who also had a CEP57 variant and a composite phenotype (PMIDs: 23339108, 31943948). It has also been reported as homozygous in an individual with severe global developmental delay, axial hypotonia and limb spasticity, who is also homozygous for a SOD1 variant that was regarded as the genetic diagnosis (PMID: 34788402), and an individual who does not have DYNC2H1-related symptoms (ClinVar - personal communication). Furthermore, this variant has been reported in cis with p.(Met1991Leu) (PMIDs: 19442771, 33875766); however, these reports were not considered for the classification of this variant. (I) 0906 - Segregation evidence for this variant is inconclusive. This variant has segregated within an extended consanguineous family, however as another variant is present in cis, the evidence is inconclusive (PMID: 19442771). (I) 1007 - No published functional evidence has been identified for this variant. (I) 1208 - Inheritance information for this variant is not currently available in this individual. (I) Legend: (SP) - Supporting pathogenic, (I) - Information, (SB) - Supporting benign

Blueprint Genetics
Classification: Likely benign. Last evaluated: 2024-09-13. Review status: criteria provided, single submitter. Criteria: ACMG Guidelines, 2015. Collection method: clinical testing. Allele origin: germline.

Department of Pathology and Laboratory Medicine, Sinai Health System
Classification: Uncertain significance for Asphyxiating thoracic dystrophy 3. Last evaluated: 2022-11-21. Review status: criteria provided, single submitter. Criteria: ACMG Guidelines, 2015. Collection method: research. Allele origin: germline.

3billion
Classification: Uncertain significance for Asphyxiating thoracic dystrophy 3. Last evaluated: 2022-09-01. Review status: criteria provided, single submitter. Criteria: ACMG Guidelines, 2015. Collection method: clinical testing. Allele origin: germline. Affected: yes. Observed: 1 heterozygote.
Comment: The variant is observed at an extremely low frequency in the gnomAD v2.1.1 dataset (total allele frequency: 0.039%). The evidence of pathogenicity is insufficient at this time. This variant is classified as uncertain significance according to the recommendation of ACMG/AMP guideline.

ARUP Laboratories, Molecular Genetics and Genomics, ARUP Laboratories
Classification: Uncertain significance for Asphyxiating thoracic dystrophy 3. Last evaluated: 2019-10-31. Review status: criteria provided, single submitter. Criteria: ARUP Molecular Germline Variant Investigation Process. Collection method: clinical testing. Allele origin: germline.
Comment: The DYNC2H1 c.11284A>G; p.Met3762Val variant (rs137853026) is reported in the literature in the homozygous state in multiple individuals affected with asphyxiating thoracic dystrophy, although some of these individuals also carry other variants in cis (Baujat 2013, Dagoneau 2009, Zhang 2018). This variant is reported] in ClinVar (Variation ID: 6501), and is found in the African population with an allele frequency of 0.32% (78/24098 alleles) in the Genome Aggregation Database. The methionine at codon 3762 is highly conserved, and computational analyses (SIFT, PolyPhen-2) predict that this variant is deleterious. However, given the limited clinical and functional data, the significance of the p.Met3762Val variant is uncertain at this time. References: Baujat G et al. Asphyxiating thoracic dysplasia: clinical and molecular review of 39 families. J Med Genet. 2013 Feb;50(2):91-8. Dagoneau N et al. DYNC2H1 mutations cause asphyxiating thoracic dystrophy and short rib-polydactyly syndrome, type III. Am J Hum Genet. 2009 May;84(5):706-11. Zhang W et al. Expanding the genetic architecture and phenotypic spectrum in the skeletal ciliopathies. Hum Mutat. 2018 Jan;39(1):152-166.